The following is an entry in ClinVar:

NM_152703.5(SAMD9L):c.4610A>G (p.Glu1537Gly)

Gene: SAMD9L (sterile alpha motif domain containing 9 like; minus strand). Cytogenetic location: 7q21.2.
Variant type: single nucleotide variant.
Coding change: c.4610A>G on transcript NM_152703.5 (MANE Select); coding-DNA position 4610, A replaced by G.
Protein change: p.Glu1537Gly; replaces glutamic acid 1537 with glycine.
Molecular consequence: missense variant.
Genome position (GRCh38, 1-based): chr7:93,131,362, T>C on the plus strand (A>G on the coding strand, the complement: SAMD9L is on the minus strand). VCF-style: chr7-93131362-T-C. GRCh37 (hg19) VCF-style: chr7-92760675-T-C.
Other names: c.4610A>G, p.Glu1537Gly (NM_001303496.3, NM_001303497.3, NM_001303498.3 and 5 more transcripts); short protein forms E1537G.
Identifiers: ClinVar variation 4630155 (VCV004630155.1).

ClinVar aggregate classification (germline): Uncertain significance (1 of 4 stars; one submission).

Conditions:
Inborn genetic diseases. Identifiers: MedGen C0950123, MeSH D030342.

Submission:

Ambry Genetics
Classification: Uncertain significance for Inborn genetic diseases. Last evaluated: 2025-12-03. Review status: criteria provided, single submitter. Criteria: Ambry Variant Classification Scheme 2023. Collection method: clinical testing. Allele origin: germline.
Comment: The p.E1537G variant (also known as c.4610A>G), located in coding exon 1 of the SAMD9L gene, results from an A to G substitution at nucleotide position 4610. The glutamic acid at codon 1537 is replaced by glycine, an amino acid with similar properties. This amino acid position is conserved. In addition, this alteration is predicted to be tolerated by in silico analysis. Based on the available evidence, the clinical significance of this variant remains unclear.